The following is an entry in ClinVar:

ClinVar aggregate classification (germline): Likely benign (1 of 4 stars; one submission).

Conditions:
OAT-related disorder. Also called: OAT-related condition.

gnomAD v4.1: 9 of 1,590,706 alleles (0.00057%); highest among the groups gnomAD compares: Middle Eastern, 0.023%; no homozygotes.

Submission:

PreventionGenetics, part of Exact Sciences
Classification: Likely benign for OAT-related condition. Last evaluated: 2026-08-03. Review status: criteria provided, single submitter. Criteria: ACMG Guidelines, 2015. Collection method: clinical testing. Allele origin: germline.
Comment: This variant is classified as likely benign based on ACMG/AMP sequence variant interpretation guidelines (Richards et al. 2015 PMID: 25741868, with internal and published modifications).

NM_000274.4(OAT):c.1159+3A>G

Gene: OAT (ornithine aminotransferase; minus strand). Cytogenetic location: 10q26.13.
Variant type: single nucleotide variant.
Coding change: c.1159+3A>G on transcript NM_000274.4 (MANE Select); 3 bases into the intron after coding-DNA position 1159, A replaced by G.
Molecular consequence: intron variant.
Genome position (GRCh38, 1-based): chr10:124,400,837, T>C on the plus strand (A>G on the coding strand, the complement: OAT is on the minus strand). VCF-style: chr10-124400837-T-C. GRCh37 (hg19) VCF-style: chr10-126089406-T-C.
Other names: c.1159+3A>G (NM_001322965.2, NM_001322969.2, NM_001322966.2 and 3 more transcripts); c.745+3A>G (NM_001171814.2); c.559+3A>G (NM_001322974.2); c.838+3A>G (NM_001322971.2).
Identifiers: ClinVar variation 4977286 (VCV004977286.1).